The following is an entry in ClinVar:

ClinVar aggregate classification (germline): Likely pathogenic (1 of 4 stars; one submission).

Conditions:
Autosomal recessive limb-girdle muscular dystrophy type 2J (LGMDR10). Also called: Limb-girdle muscular dystrophy, type 2J; MUSCULAR DYSTROPHY, LIMB-GIRDLE, AUTOSOMAL RECESSIVE 10. Identifiers: Orphanet 140922, MedGen C1837342, MONDO:0012127, OMIM 608807.
Dilated cardiomyopathy 1G (CMD1G). Identifiers: Orphanet 154, MedGen C1858763, MONDO:0011400, OMIM 604145.

Submission:

Labcorp Genetics (formerly Invitae), Labcorp
Classification: Likely pathogenic for Dilated cardiomyopathy 1G; Autosomal recessive limb-girdle muscular dystrophy type 2J. Last evaluated: 2025-04-29. Review status: criteria provided, single submitter. Criteria: Invitae Variant Classification Sherloc (09022015). Collection method: clinical testing. Allele origin: germline.
Comment: This sequence change creates a premature translational stop signal (p.Trp20754*) in the TTN gene. While this is not anticipated to result in nonsense mediated decay, it is expected to create a truncated TTN protein. This variant is not present in population databases (gnomAD no frequency). This variant has not been reported in the literature in individuals affected with TTN-related conditions. This variant is located in the A band of TTN (PMID: 25589632). Truncating variants in this region are significantly overrepresented in patients affected with dilated cardiomyopathy (PMID: 25589632). Truncating variants in this region have also been reported in individuals affected with autosomal recessive centronuclear myopathy (PMID: 23975875). In summary, the currently available evidence indicates that the variant is pathogenic, but additional data are needed to prove that conclusively. Therefore, this variant has been classified as Likely Pathogenic.

Literature cited by the submitters: PubMed 25589632; PubMed 23975875.

NM_001267550.2(TTN):c.62262G>A (p.Trp20754Ter)

Genes: TTN (titin; minus strand), TTN-AS1 (TTN antisense RNA 1; plus strand). Cytogenetic location: 2q31.2.
Variant type: single nucleotide variant.
Coding change: c.62262G>A on transcript NM_001267550.2 (MANE Select); coding-DNA position 62262, G replaced by A.
Protein change: p.Trp20754Ter; replaces tryptophan 20754 with a stop codon.
Molecular consequence: nonsense.
Genome position (GRCh38, 1-based): chr2:178,589,463, C>T on the plus strand (G>A on the coding strand, the complement: TTN is on the minus strand). VCF-style: chr2-178589463-C-T. GRCh37 (hg19) VCF-style: chr2-179454190-C-T.
Other names: c.57339G>A, p.Trp19113Ter (NM_001256850.1); c.35067G>A, p.Trp11689Ter (NM_003319.4); c.54558G>A, p.Trp18186Ter (NM_133378.4); c.35442G>A, p.Trp11814Ter (NM_133432.3); c.35643G>A, p.Trp11881Ter (NM_133437.4); short protein forms W11814*, W11689*, W11881*, W18186*, W19113*, W20754*.
Identifiers: ClinVar variation 4784867 (VCV004784867.1).